The following is an entry in ClinVar:

ClinVar aggregate classification (germline): Pathogenic/Likely pathogenic. Review status: criteria provided, multiple submitters, no conflicts (2 of 4 stars). 3 submissions from 3 submitters: Pathogenic (1); Likely pathogenic (1). 1 of the submissions does not count toward it. Last evaluated 2025-05-02.

Conditions:
Autosomal dominant Alport syndrome (ATS3A). Also called: ALPORT SYNDROME 3A, AUTOSOMAL DOMINANT; Alport syndrome dominant type; Renal failure and sensorineural hearing loss. Identifiers: Orphanet 63, Orphanet 88918, MedGen C5882663, MONDO:0007086, OMIM 104200.
Alport syndrome. Also called: Hemorrhagic familial nephritis; Hemorrhagic hereditary nephritis; Congenital hereditary hematuria. Identifiers: Orphanet 63, MedGen C1567741, MONDO:0018965.

Submissions (3):

Natera, Inc.
Classification: Likely pathogenic for Alport syndrome. Last evaluated: 2025-05-02. Review status: criteria provided, single submitter. Criteria: Natera Variant Classification Schema (03/2026). Collection method: clinical testing. Allele origin: germline.
Comment: The c.1221_1237del variant in COL4A4 is a frameshift variant predicted to shift the reading frame beginning at codon 408 and leads to a stop codon 16 codons downstream. This variant is expected to result in nonsense mediated decay, truncation, or a dysfunctional protein product. This variant is rare in the general population with a frequency below the threshold expected for the associated phenotype(s). Given the available evidence, this variant is classified as Likely Pathogenic.

Labcorp Genetics (formerly Invitae), Labcorp
Classification: Pathogenic. Last evaluated: 2023-06-03. Review status: criteria provided, single submitter. Criteria: Invitae Variant Classification Sherloc (09022015). Collection method: clinical testing. Allele origin: germline.
Comment: For these reasons, this variant has been classified as Pathogenic. ClinVar contains an entry for this variant (Variation ID: 599148). This variant has not been reported in the literature in individuals affected with COL4A4-related conditions. This variant is not present in population databases (gnomAD no frequency). This sequence change creates a premature translational stop signal (p.Gly408Trpfs*16) in the COL4A4 gene. It is expected to result in an absent or disrupted protein product. Loss-of-function variants in COL4A4 are known to be pathogenic (PMID: 21196518, 24854265, 25307543).

Bioscientia Institut fuer Medizinische Diagnostik GmbH, Sonic Healthcare
Classification: Pathogenic for Autosomal dominant Alport syndrome. Last evaluated: 2018-07-05. Review status: no assertion criteria provided. Collection method: clinical testing. Allele origin: germline. Affected: yes. Not counted in ClinVar's aggregate classification.

Literature cited by the submitters: PubMed 21196518 (cited by Labcorp Genetics (formerly Invitae), Labcorp); PubMed 24854265 (cited by Labcorp Genetics (formerly Invitae), Labcorp); PubMed 25307543 (cited by Labcorp Genetics (formerly Invitae), Labcorp).

NM_000092.5(COL4A4):c.1221_1237del (p.Gly408fs)

Gene: COL4A4 (collagen type IV alpha 4 chain; minus strand). Cytogenetic location: 2q36.3.
Variant type: Deletion.
Coding change: c.1221_1237del on transcript NM_000092.5 (MANE Select); coding-DNA positions 1221 to 1237, 17 bases deleted (TGGGCCACAAGGATTTC).
Protein change: p.Gly408fs; shifts the reading frame from glycine 408.
Molecular consequence: frameshift variant.
Genome position (GRCh38, 1-based): chr2:227,094,257-227,094,273, GAAATCCTTGTGGCCCA deleted on the plus strand (TGGGCCACAAGGATTTC on the coding strand, the reverse complement: COL4A4 is on the minus strand); deleting any 17 consecutive bases within chr2:227,094,257-227,094,274 gives the same sequence; the c. name uses the placement nearest the transcript's 3' end. VCF-style (leftmost placement, unchanged base first): chr2-227094256-GGAAATCCTTGTGGCCCA-G. GRCh37 (hg19) VCF-style: chr2-227958972-GGAAATCCTTGTGGCCCA-G.
Other names: short protein forms G408fs.
Identifiers: ClinVar variation 599148 (VCV000599148.7), dbSNP rs1559606445, ClinGen allele CA913189612.